The following is an entry in ClinVar:

NM_000548.5(TSC2):c.398A>C (p.Asn133Thr)

Gene: TSC2 (TSC complex subunit 2; plus strand). Cytogenetic location: 16p13.3.
Variant type: single nucleotide variant.
Coding change: c.398A>C on transcript NM_000548.5 (MANE Select); coding-DNA position 398, A replaced by C.
Protein change: p.Asn133Thr; replaces asparagine 133 with threonine.
Molecular consequence: missense variant. On other transcripts: intron variant (1).
Genome position (GRCh38, 1-based): chr16:2,054,357, A>C. VCF-style: chr16-2054357-A-C. GRCh37 (hg19) VCF-style: chr16-2104358-A-C.
Other names: c.398A>C, p.Asn133Thr (NM_001077183.3, NM_001114382.3, NM_001363528.2 and 3 more transcripts); c.287A>C, p.Asn96Thr (NM_001318827.2); c.251A>C, p.Asn84Thr (NM_001318829.2); c.431A>C, p.Asn144Thr (NM_001318832.2); c.-1-1839A>C (NM_001318831.2); short protein forms N144T, N133T, N96T, N84T.
Identifiers: ClinVar variation 948345 (VCV000948345.10), dbSNP rs1265446222, ClinGen allele CA394306943.

ClinVar aggregate classification (germline): Conflicting classifications of pathogenicity. Review status: criteria provided, conflicting classifications (1 of 4 stars). 2 submissions from 2 submitters: Uncertain significance (1); Benign (1). Last evaluated 2026-06-28.

Conditions:
Hereditary cancer-predisposing syndrome. Also called: Neoplastic Syndromes, Hereditary; Hereditary Cancer Syndrome; Tumor predisposition; Hereditary neoplastic syndrome. Identifiers: Orphanet 140162, MedGen C0027672, MeSH D009386, MONDO:0015356.
Tuberous sclerosis 2 (TSC2). Identifiers: Orphanet 805, MedGen C1860707, MONDO:0013199, OMIM 613254.

Allele frequency attached by ClinVar (database versions not stated): gnomAD exomes below 0.00001.

Submissions (2):

Ambry Genetics
Classification: Uncertain significance for Hereditary cancer-predisposing syndrome. Last evaluated: 2026-06-28. Review status: criteria provided, single submitter. Criteria: Ambry Variant Classification Scheme 2023. Collection method: clinical testing. Allele origin: germline.
Comment: The p.N133T variant (also known as c.398A>C), located in coding exon 4 of the TSC2 gene, results from an A to C substitution at nucleotide position 398. The asparagine at codon 133 is replaced by threonine, an amino acid with similar properties. This amino acid position is conserved. In addition, this alteration is predicted to be tolerated by in silico analysis. Based on the available evidence, the clinical significance of this variant remains unclear.

Labcorp Genetics (formerly Invitae), Labcorp
Classification: Benign for Tuberous sclerosis 2. Last evaluated: 2023-07-07. Review status: criteria provided, single submitter. Criteria: Invitae Variant Classification Sherloc (09022015). Collection method: clinical testing. Allele origin: germline.